The following is an entry in ClinVar:

ClinVar aggregate classification (germline): Conflicting classifications of pathogenicity. Review status: criteria provided, conflicting classifications (1 of 4 stars). 2 submissions from 2 submitters: Uncertain significance (1); Likely benign (1). Last evaluated 2026-05-03.

Conditions:
GNE-related disorder. Also called: GNE-related condition.
Sialuria. Also called: SIALURIA, FRENCH TYPE; Sialic Acid Storage Disease. Identifiers: Orphanet 3166, MedGen C0342853, MONDO:0010028, OMIM 269921.
GNE myopathy (NM). Also called: INCLUSION BODY MYOPATHY, HEREDITARY, AUTOSOMAL RECESSIVE; INCLUSION BODY MYOPATHY 2, AUTOSOMAL RECESSIVE; MYOPATHY, DISTAL, WITH OR WITHOUT RIMMED VACUOLES; IBM 2; Inclusion body myopathy autosomal recessive; Inclusion body myopathy quadriceps sparing. Identifiers: Orphanet 602, MedGen C1853926, MONDO:0011603, OMIM 605820.

Allele frequency attached by ClinVar (database versions not stated): gnomAD 0.00001; TOPMed 0.00001; gnomAD exomes below 0.00001.
gnomAD v4.1: 4 of 1,613,038 alleles (0.00025%); highest among the groups gnomAD compares: African/African-American, 0.0013%; no homozygotes.

Submissions (2):

PreventionGenetics, part of Exact Sciences
Classification: Uncertain significance for GNE-related condition. Last evaluated: 2026-05-03. Review status: criteria provided, single submitter. Criteria: ACMG Guidelines, 2015. Collection method: clinical testing. Allele origin: germline.
Comment: The GNE c.110T>C variant is predicted to result in the amino acid substitution p.Met37Thr. To our knowledge, this variant has not been reported in the literature or in a large population database (gnomAD), indicating this variant is rare. At this time, the clinical significance of this variant is uncertain due to the absence of conclusive functional and genetic evidence.

Labcorp Genetics (formerly Invitae), Labcorp
Classification: Likely benign for Sialuria; GNE myopathy. Last evaluated: 2025-03-11. Review status: criteria provided, single submitter. Criteria: Invitae Variant Classification Sherloc (09022015). Collection method: clinical testing. Allele origin: germline.

NM_001128227.3(GNE):c.12T>C (p.Tyr4=)

Gene: GNE (glucosamine (UDP-N-acetyl)-2-epimerase/N-acetylmannosamine kinase; minus strand). Cytogenetic location: 9p13.3.
Variant type: single nucleotide variant.
Coding change: c.12T>C on transcript NM_001128227.3 (MANE Plus Clinical); coding-DNA position 12, T replaced by C.
Protein change: p.Tyr4=; no amino-acid change (tyrosine 4 retained).
Molecular consequence: synonymous variant. On other transcripts: 5 prime UTR variant (1).
Genome position (GRCh38, 1-based): chr9:36,276,933, A>G on the plus strand (T>C on the coding strand, the complement: GNE is on the minus strand). VCF-style: chr9-36276933-A-G. GRCh37 (hg19) VCF-style: chr9-36276930-A-G.
Other names: c.-53T>C (NM_001190388.2).
Identifiers: ClinVar variation 1128938 (VCV001128938.11), dbSNP rs556904933, ClinGen allele CA192854449.